The following is an entry in ClinVar:

NM_000372.5(TYR):c.446A>G (p.Tyr149Cys)

Gene: TYR (tyrosinase; plus strand). Cytogenetic location: 11q14.3.
Variant type: single nucleotide variant.
Coding change: c.446A>G on transcript NM_000372.5 (MANE Select); coding-DNA position 446, A replaced by G.
Protein change: p.Tyr149Cys; replaces tyrosine 149 with cysteine.
Molecular consequence: missense variant.
Genome position (GRCh38, 1-based): chr11:89,178,399, A>G. VCF-style: chr11-89178399-A-G. GRCh37 (hg19) VCF-style: chr11-88911567-A-G.
Other names: short protein forms Y149C.
Identifiers: ClinVar variation 212522 (VCV000212522.14), dbSNP rs797046082, ClinGen allele CA277451.

ClinVar aggregate classification (germline): Pathogenic/Likely pathogenic. Review status: criteria provided, multiple submitters, no conflicts (2 of 4 stars). 5 submissions from 5 submitters: Pathogenic (2); Likely pathogenic (3). Last evaluated 2025-09-15.

Conditions:
SKIN/HAIR/EYE PIGMENTATION 3, LIGHT/DARK SKIN (SHEP3). Also called: SKIN/HAIR/EYE PIGMENTATION, VARIATION IN, 3; EYE COLOR 1; EYE COLOR, GREEN/BLUE; SKIN/HAIR/EYE PIGMENTATION 3, BLUE/GREEN EYE COLOR; SKIN/HAIR/EYE PIGMENTATION 3, FRECKLING. Identifiers: MedGen C2677190, OMIM 601800.
Oculocutaneous albinism type 1A (OCA1A). Also called: Albinism, oculocutaneous, type IA. Identifiers: Orphanet 352731, Orphanet 79431, MedGen C4551504, MONDO:0008745, OMIM 203100. Disease mechanism: loss of function.
Oculocutaneous albinism type 1B (OCA1B). Also called: ALBINISM, OCULOCUTANEOUS, TYPE IB; ALBINISM, YELLOW MUTANT TYPE; YELLOW ALBINISM. Identifiers: Orphanet 352731, Orphanet 352737, Orphanet 79434, MedGen C1847024, MONDO:0011749, OMIM 606952.
TYR-related disorder. Also called: TYR-related condition.

Allele frequency attached by ClinVar (database versions not stated): gnomAD exomes 0.00001.
gnomAD v4.1: 13 of 1,614,194 alleles (0.00081%); highest among the groups gnomAD compares: Non-Finnish European, 0.0011%; no homozygotes.

Submissions (5):

Labcorp Genetics (formerly Invitae), Labcorp
Classification: Pathogenic. Last evaluated: 2025-09-15. Review status: criteria provided, single submitter. Criteria: Invitae Variant Classification Sherloc (09022015). Collection method: clinical testing. Allele origin: germline.
Comment: This sequence change replaces tyrosine, which is neutral and polar, with cysteine, which is neutral and slightly polar, at codon 149 of the TYR protein (p.Tyr149Cys). This variant is not present in population databases (gnomAD no frequency). This missense change has been observed in individuals with oculocutaneous albinism (PMID: 18463683, 31077556). ClinVar contains an entry for this variant (Variation ID: 212522). Invitae Evidence Modeling of protein sequence and biophysical properties (such as structural, functional, and spatial information, amino acid conservation, physicochemical variation, residue mobility, and thermodynamic stability) indicates that this missense variant is expected to disrupt TYR protein function with a positive predictive value of 95%. For these reasons, this variant has been classified as Pathogenic.

Fulgent Genetics
Classification: Likely pathogenic for Oculocutaneous albinism type 1A; SKIN/HAIR/EYE PIGMENTATION 3, LIGHT/DARK SKIN; Oculocutaneous albinism type 1B. Last evaluated: 2024-03-14. Review status: criteria provided, single submitter. Criteria: ACMG Guidelines, 2015. Collection method: clinical testing. Allele origin: germline.

Baylor Genetics
Classification: Pathogenic for SKIN/HAIR/EYE PIGMENTATION 3, LIGHT/DARK SKIN. Last evaluated: 2024-02-17. Review status: criteria provided, single submitter. Criteria: ACMG Guidelines, 2015. Collection method: clinical testing. Allele origin: unknown.

Blueprint Genetics
Classification: Likely pathogenic for TYR-related disorders. Last evaluated: 2022-10-18. Review status: criteria provided, single submitter. Criteria: ACMG Guidelines, 2015. Collection method: clinical testing. Allele origin: germline. Affected: yes. Observed: 3 variant alleles.

Genetic Services Laboratory, University of Chicago
Classification: Likely pathogenic for Albinism, oculocutaneous, type IA. Last evaluated: 2015-02-26. Review status: criteria provided, single submitter. Criteria: ACMG Guidelines, 2015. Collection method: clinical testing. Allele origin: germline. Affected: yes.

Literature cited by the submitters: PubMed 18463683 (cited by Labcorp Genetics (formerly Invitae), Labcorp); PubMed 31077556 (cited by Labcorp Genetics (formerly Invitae), Labcorp).